The following is an entry in ClinVar:

ClinVar aggregate classification (germline): Uncertain significance. Review status: criteria provided, multiple submitters, no conflicts (2 of 4 stars). 2 submissions from 2 submitters: Uncertain significance (2). Last evaluated 2023-12-24.

Conditions:
Sucrase-isomaltase deficiency (CSID). Also called: Congenital sucrose isomaltose malabsorption; Sucrose isomaltose enzyme deficiency; SI DEFICIENCY; Deficiency of isomaltase. Identifiers: Orphanet 35122, MedGen C1283620, MONDO:0009114, OMIM 222900.

Allele frequency attached by ClinVar (database versions not stated): gnomAD exomes below 0.00001; TOPMed below 0.00001; gnomAD 0.00001; ExAC 0.00002.

Submissions (2):

Fulgent Genetics
Classification: Uncertain significance for Sucrase-isomaltase deficiency. Last evaluated: 2023-12-24. Review status: criteria provided, single submitter. Criteria: ACMG Guidelines, 2015. Collection method: clinical testing. Allele origin: germline.

Labcorp Genetics (formerly Invitae), Labcorp
Classification: Uncertain significance. Last evaluated: 2022-02-24. Review status: criteria provided, single submitter. Criteria: Invitae Variant Classification Sherloc (09022015). Collection method: clinical testing. Allele origin: germline.
Comment: This sequence change replaces aspartic acid, which is acidic and polar, with asparagine, which is neutral and polar, at codon 633 of the SI protein (p.Asp633Asn). In summary, the available evidence is currently insufficient to determine the role of this variant in disease. Therefore, it has been classified as a Variant of Uncertain Significance. Advanced modeling of protein sequence and biophysical properties (such as structural, functional, and spatial information, amino acid conservation, physicochemical variation, residue mobility, and thermodynamic stability) performed at Invitae indicates that this missense variant is expected to disrupt SI protein function. This variant has not been reported in the literature in individuals affected with SI-related conditions. This variant is present in population databases (rs753216085, gnomAD 0.002%).

NM_001041.4(SI):c.1897G>A (p.Asp633Asn)

Gene: SI (sucrase-isomaltase; minus strand). Cytogenetic location: 3q26.1.
Variant type: single nucleotide variant.
Coding change: c.1897G>A on transcript NM_001041.4 (MANE Select); coding-DNA position 1897, G replaced by A.
Protein change: p.Asp633Asn; replaces aspartic acid 633 with asparagine.
Molecular consequence: missense variant.
Genome position (GRCh38, 1-based): chr3:165,043,166, C>T on the plus strand (G>A on the coding strand, the complement: SI is on the minus strand). VCF-style: chr3-165043166-C-T. GRCh37 (hg19) VCF-style: chr3-164760954-C-T.
Other names: short protein forms D633N.
Identifiers: ClinVar variation 1992459 (VCV001992459.3), dbSNP rs753216085, ClinGen allele CA2690906.
Genomic context (GRCh38, chr3:165,043,166, plus strand): 5'-CAAGTTGCATCCATCTTCTGCAAAGTTCTTCTGTGGTTTCAGCCACAAATCCACAGATGT[C>T]TGCTCCAACCTAAATAACAAATATATTTACTATTTATAATGTTAAGATTCTCAAATTTGC-3'
Protein context (NP_001032.2, residues 623-643): SLFGIPLVGA[Asp633Asn]ICGFVAETTE